The following is an entry in ClinVar:

NM_001364171.2(ODAD1):c.1788C>T (p.His596=)

Gene: ODAD1 (outer dynein arm docking complex subunit 1; minus strand). Cytogenetic location: 19q13.33.
Variant type: single nucleotide variant.
Coding change: c.1788C>T on transcript NM_001364171.2 (MANE Select); coding-DNA position 1788, C replaced by T.
Protein change: p.His596=; no amino-acid change (histidine 596 retained).
Molecular consequence: synonymous variant.
Genome position (GRCh38, 1-based): chr19:48,297,312, G>A on the plus strand (C>T on the coding strand, the complement: ODAD1 is on the minus strand). VCF-style: chr19-48297312-G-A. GRCh37 (hg19) VCF-style: chr19-48800569-G-A.
Other names: p.His559=; c.1677C>T, p.His559= (NM_144577.4).
Identifiers: ClinVar variation 241875 (VCV000241875.43), dbSNP rs147072026, ClinGen allele CA9548564.

ClinVar aggregate classification (germline): Benign/Likely benign. Review status: criteria provided, multiple submitters, no conflicts (2 of 4 stars). 8 submissions from 8 submitters: Benign (3); Likely benign (5). Last evaluated 2026-02-02.

Conditions:
Primary ciliary dyskinesia. Also called: Ciliary dyskinesia. Identifiers: Orphanet 244, MedGen C0008780, MONDO:0016575, HP:0012265.
Primary ciliary dyskinesia 20. Also called: CILIARY DYSKINESIA, PRIMARY, 20, WITH OR WITHOUT SITUS INVERSUS. Identifiers: Orphanet 244, MedGen C3540844, MONDO:0014030, OMIM 615067.

Allele frequency attached by ClinVar (database versions not stated): 1000 Genomes Project 0.00120; 1000 Genomes Project 30x 0.00141; gnomAD exomes 0.00384 and 0.00675; TOPMed 0.00436; gnomAD 0.00442 and 0.00457; ExAC 0.00456; ESP Exome Variant Server 0.00507.
gnomAD v4.1: 10,394 of 1,613,628 alleles (0.64%); highest among the groups gnomAD compares: Non-Finnish European, 0.82%; 46 homozygotes.

Submissions (8):

Labcorp Genetics (formerly Invitae), Labcorp
Classification: Benign for Primary ciliary dyskinesia. Last evaluated: 2026-02-02. Review status: criteria provided, single submitter. Criteria: Invitae Variant Classification Sherloc (09022015). Collection method: clinical testing. Allele origin: germline.

ARUP Laboratories, Molecular Genetics and Genomics, ARUP Laboratories
Classification: Likely benign for Primary ciliary dyskinesia 20. Last evaluated: 2025-07-02. Review status: criteria provided, single submitter. Criteria: ARUP Molecular Germline Variant Investigation Process 2024. Collection method: clinical testing. Allele origin: germline.

Mayo Clinic Laboratories, Mayo Clinic
Classification: Benign. Last evaluated: 2025-02-05. Review status: criteria provided, single submitter. Criteria: ACMG Guidelines, 2015. Collection method: clinical testing. Allele origin: germline. Observed: 3 variant alleles.
Comment: BS1, BS2, BP4, BP7

Blueprint Genetics
Classification: Likely benign. Last evaluated: 2024-11-28. Review status: criteria provided, single submitter. Criteria: ACMG Guidelines, 2015. Collection method: clinical testing. Allele origin: germline.

CeGaT Center for Human Genetics Tuebingen
Classification: Likely benign. Last evaluated: 2022-11-01. Review status: criteria provided, single submitter. Criteria: CeGaT Center For Human Genetics Tuebingen Variant Classification Criteria Version 2. Collection method: clinical testing. Allele origin: germline. Affected: yes. Observed: 2 variant alleles.
Comment: ODAD1: BP4, BP7, BS2

Ambry Genetics
Classification: Benign for Primary ciliary dyskinesia. Last evaluated: 2016-09-14. Review status: criteria provided, single submitter. Criteria: Ambry Variant Classification Scheme 2023. Collection method: clinical testing. Allele origin: germline.

Breakthrough Genomics
Classification: Likely benign. Review status: criteria provided, single submitter. Criteria: ACMG Guidelines, 2015. Collection method: not provided. Allele origin: germline. Inheritance: Autosomal recessive inheritance. Affected: yes.

PreventionGenetics, part of Exact Sciences
Classification: Likely benign. Review status: criteria provided, single submitter. Criteria: ACMG Guidelines, 2015. Collection method: clinical testing. Allele origin: germline.